The following is an entry in ClinVar:

NM_002016.2(FLG):c.364A>C (p.Arg122=)

Genes: CCDST (cervical cancer associated DHX9 suppressive transcript; plus strand), FLG (filaggrin; minus strand). Cytogenetic location: 1q21.3.
Variant type: single nucleotide variant.
Coding change: c.364A>C on transcript NM_002016.2 (MANE Select); coding-DNA position 364, A replaced by C.
Protein change: p.Arg122=; no amino-acid change (arginine 122 retained).
Molecular consequence: synonymous variant.
Genome position (GRCh38, 1-based): chr1:152,314,522, T>G on the plus strand (A>C on the coding strand, the complement: FLG is on the minus strand). VCF-style: chr1-152314522-T-G. GRCh37 (hg19) VCF-style: chr1-152286998-T-G.
Identifiers: ClinVar variation 2639327 (VCV002639327.24), dbSNP rs200639874, ClinGen allele CA1108026.

ClinVar aggregate classification (germline): Likely benign (1 of 4 stars; one submission).

Allele frequency attached by ClinVar (database versions not stated): ESP Exome Variant Server 0.00023; gnomAD exomes 0.00023; ExAC 0.00030; 1000 Genomes Project 30x 0.00031; 1000 Genomes Project 0.00040; TOPMed 0.00044; gnomAD 0.00047.
gnomAD v4.1: 458 of 1,613,928 alleles (0.028%); highest among the groups gnomAD compares: Admixed American, 0.13%; no homozygotes.

Submission:

CeGaT Center for Human Genetics Tuebingen
Classification: Likely benign. Last evaluated: 2025-12-01. Review status: criteria provided, single submitter. Criteria: CeGaT Center For Human Genetics Tuebingen Variant Classification Criteria Version 2. Collection method: clinical testing. Allele origin: germline. Affected: yes. Observed: 4 variant alleles.
Comment: FLG: BP4, BP7